The following is an entry in ClinVar:

NM_152703.5(SAMD9L):c.1034A>T (p.Glu345Val)

Gene: SAMD9L (sterile alpha motif domain containing 9 like; minus strand). Cytogenetic location: 7q21.2.
Variant type: single nucleotide variant.
Coding change: c.1034A>T on transcript NM_152703.5 (MANE Select); coding-DNA position 1034, A replaced by T.
Protein change: p.Glu345Val; replaces glutamic acid 345 with valine.
Molecular consequence: missense variant.
Genome position (GRCh38, 1-based): chr7:93,134,938, T>A on the plus strand (A>T on the coding strand, the complement: SAMD9L is on the minus strand). VCF-style: chr7-93134938-T-A. GRCh37 (hg19) VCF-style: chr7-92764251-T-A.
Other names: c.1034A>T, p.Glu345Val (NM_001303496.3, NM_001303497.3, NM_001303498.3 and 5 more transcripts); short protein forms E345V.
Identifiers: ClinVar variation 4630037 (VCV004630037.1).

ClinVar aggregate classification (germline): Uncertain significance (1 of 4 stars; one submission).

Conditions:
Inborn genetic diseases. Identifiers: MedGen C0950123, MeSH D030342.

gnomAD v4.1: 6 of 1,613,674 alleles (0.00037%); highest among the groups gnomAD compares: South Asian, 0.0055%; no homozygotes.

Submission:

Ambry Genetics
Classification: Uncertain significance for Inborn genetic diseases. Last evaluated: 2025-10-05. Review status: criteria provided, single submitter. Criteria: Ambry Variant Classification Scheme 2023. Collection method: clinical testing. Allele origin: germline.
Comment: The p.E345V variant (also known as c.1034A>T), located in coding exon 1 of the SAMD9L gene, results from an A to T substitution at nucleotide position 1034. The glutamic acid at codon 345 is replaced by valine, an amino acid with dissimilar properties. This amino acid position is conserved. In addition, this alteration is predicted to be tolerated by in silico analysis. Based on the available evidence, the clinical significance of this variant remains unclear.